The following is an entry in ClinVar:

ClinVar aggregate classification (germline): Uncertain significance (1 of 4 stars; one submission).

Submission:

Labcorp Genetics (formerly Invitae), Labcorp
Classification: Uncertain significance. Last evaluated: 2023-03-19. Review status: criteria provided, single submitter. Criteria: Invitae Variant Classification Sherloc (09022015). Collection method: clinical testing. Allele origin: germline.
Comment: In summary, the available evidence is currently insufficient to determine the role of this variant in disease. Therefore, it has been classified as a Variant of Uncertain Significance. Algorithms developed to predict the effect of missense changes on protein structure and function output the following: SIFT: "Not Available"; PolyPhen-2: "Benign"; Align-GVGD: "Not Available". The serine amino acid residue is found in multiple mammalian species, which suggests that this missense change does not adversely affect protein function. This variant has not been reported in the literature in individuals affected with RELB-related conditions. This variant is not present in population databases (gnomAD no frequency). This sequence change replaces threonine, which is neutral and polar, with serine, which is neutral and polar, at codon 528 of the RELB protein (p.Thr528Ser).

NM_006509.4(RELB):c.1582A>T (p.Thr528Ser)

Gene: RELB (RELB proto-oncogene, NF-kB subunit; plus strand). Cytogenetic location: 19q13.32.
Variant type: single nucleotide variant.
Coding change: c.1582A>T on transcript NM_006509.4 (MANE Select); coding-DNA position 1582, A replaced by T.
Protein change: p.Thr528Ser; replaces threonine 528 with serine.
Molecular consequence: missense variant.
Genome position (GRCh38, 1-based): chr19:45,037,632, A>T. VCF-style: chr19-45037632-A-T. GRCh37 (hg19) VCF-style: chr19-45540890-A-T.
Other names: c.1573A>T, p.Thr525Ser (NM_001411087.1); short protein forms T528S, T525S.
Identifiers: ClinVar variation 2847481 (VCV002847481.3), dbSNP rs2513662703, ClinGen allele CA406309849.